The following is an entry in ClinVar:

ClinVar aggregate classification (germline): Likely benign. Review status: criteria provided, single submitter (1 of 4 stars). 2 submissions from 2 submitters: Likely benign (1). 1 of the submissions does not count toward it. Last evaluated 2024-11-25.

Conditions:
PHKA2-related disorder. Also called: PHKA2-related condition.

Allele frequency attached by ClinVar (database versions not stated): gnomAD exomes 0.00002; ExAC 0.00006; gnomAD 0.00007; TOPMed 0.00011.
gnomAD v4.1: 28 of 1,203,817 alleles (0.0023%); highest among the groups gnomAD compares: Admixed American, 0.041%; no homozygotes.

Submissions (2):

Blueprint Genetics
Classification: Likely benign. Last evaluated: 2024-11-25. Review status: criteria provided, single submitter. Criteria: ACMG Guidelines, 2015. Collection method: clinical testing. Allele origin: germline.

PreventionGenetics, part of Exact Sciences
Classification: Likely benign for PHKA2-related condition. Last evaluated: 2022-06-22. Review status: no assertion criteria provided. Collection method: clinical testing. Allele origin: germline. Not counted in ClinVar's aggregate classification.
Comment: This variant is classified as likely benign based on ACMG/AMP sequence variant interpretation guidelines (Richards et al. 2015 PMID: 25741868, with internal and published modifications).

NM_000292.3(PHKA2):c.1746G>T (p.Val582=)

Gene: PHKA2 (phosphorylase kinase regulatory subunit alpha 2; minus strand). Cytogenetic location: Xp22.13.
Variant type: single nucleotide variant.
Coding change: c.1746G>T on transcript NM_000292.3 (MANE Select); coding-DNA position 1746, G replaced by T.
Protein change: p.Val582=; no amino-acid change (valine 582 retained).
Molecular consequence: synonymous variant.
Genome position (GRCh38, 1-based): chrX:18,924,103, C>A on the plus strand (G>T on the coding strand, the complement: PHKA2 is on the minus strand). VCF-style: chrX-18924103-C-A. GRCh37 (hg19) VCF-style: chrX-18942221-C-A.
Identifiers: ClinVar variation 3051940 (VCV003051940.3), dbSNP rs764554230, ClinGen allele CA10361800.